The following is an entry in ClinVar:

NM_014679.5(CEP57):c.1075G>C (p.Glu359Gln)

Gene: CEP57 (centrosomal protein 57; plus strand). Cytogenetic location: 11q21.
Variant type: single nucleotide variant.
Coding change: c.1075G>C on transcript NM_014679.5 (MANE Select); coding-DNA position 1075, G replaced by C.
Protein change: p.Glu359Gln; replaces glutamic acid 359 with glutamine.
Molecular consequence: missense variant.
Genome position (GRCh38, 1-based): chr11:95,827,975, G>C. VCF-style: chr11-95827975-G-C. GRCh37 (hg19) VCF-style: chr11-95561139-G-C.
Other names: c.1048G>C, p.Glu350Gln (NM_001243776.2); c.997G>C, p.Glu333Gln (NM_001243777.2); c.994G>C, p.Glu332Gln (NM_001363604.2, NM_001440869.1, NM_001440870.1); c.967G>C, p.Glu323Gln (NM_001440871.1); c.958G>C, p.Glu320Gln (NM_001440872.1); c.895G>C, p.Glu299Gln (NM_001440873.1); c.889G>C, p.Glu297Gln (NM_001440874.1); c.886G>C, p.Glu296Gln (NM_001440875.1); and 6 more; short protein forms E320Q, E332Q, E333Q, E350Q, E359Q, E258Q, E293Q, E297Q.
Identifiers: ClinVar variation 4226357 (VCV004226357.1).

ClinVar aggregate classification (germline): Uncertain significance (1 of 4 stars; one submission).

Conditions:
Inborn genetic diseases. Identifiers: MedGen C0950123, MeSH D030342.

Submission:

Ambry Genetics
Classification: Uncertain significance for Inborn genetic diseases. Last evaluated: 2025-07-22. Review status: criteria provided, single submitter. Criteria: Ambry Variant Classification Scheme 2023. Collection method: clinical testing. Allele origin: germline.
Comment: The p.E359Q variant (also known as c.1075G>C), located in coding exon 9 of the CEP57 gene, results from a G to C substitution at nucleotide position 1075. The glutamic acid at codon 359 is replaced by glutamine, an amino acid with highly similar properties. This amino acid position is conserved. In addition, this alteration is predicted to be tolerated by in silico analysis. Based on the available evidence, the clinical significance of this variant remains unclear.